The following is an entry in ClinVar:

NM_005612.5(REST):c.422C>G (p.Pro141Arg)

Gene: REST (RE1 silencing transcription factor; plus strand). Cytogenetic location: 4q12.
Variant type: single nucleotide variant.
Coding change: c.422C>G on transcript NM_005612.5 (MANE Select); coding-DNA position 422, C replaced by G.
Protein change: p.Pro141Arg; replaces proline 141 with arginine.
Molecular consequence: missense variant.
Genome position (GRCh38, 1-based): chr4:56,911,060, C>G. VCF-style: chr4-56911060-C-G. GRCh37 (hg19) VCF-style: chr4-57777226-C-G.
Other names: c.422C>G, p.Pro141Arg (NM_001193508.2, NM_001363453.3); short protein forms P141R.
Identifiers: ClinVar variation 847313 (VCV000847313.9), dbSNP rs138686672, ClinGen allele CA2932102.

ClinVar aggregate classification (germline): Uncertain significance. Review status: criteria provided, multiple submitters, no conflicts (2 of 4 stars). 3 submissions from 3 submitters: Uncertain significance (3). Last evaluated 2025-09-28.

Conditions:
REST-related disorder. Also called: REST-related condition.
Inborn genetic diseases. Identifiers: MedGen C0950123, MeSH D030342.

Allele frequency attached by ClinVar (database versions not stated): gnomAD 0.00017 and 0.00018; TOPMed 0.00019; 1000 Genomes Project 0.00020; gnomAD exomes 0.00021; ESP Exome Variant Server 0.00023; ExAC 0.00026; 1000 Genomes Project 30x 0.00031.

Submissions (3):

Labcorp Genetics (formerly Invitae), Labcorp
Classification: Uncertain significance. Last evaluated: 2025-09-28. Review status: criteria provided, single submitter. Criteria: Invitae Variant Classification Sherloc (09022015). Collection method: clinical testing. Allele origin: germline.
Comment: This sequence change replaces proline, which is neutral and non-polar, with arginine, which is basic and polar, at codon 141 of the REST protein (p.Pro141Arg). This variant is present in population databases (rs138686672, gnomAD 0.04%), and has an allele count higher than expected for a pathogenic variant. This variant has not been reported in the literature in individuals affected with REST-related conditions. ClinVar contains an entry for this variant (Variation ID: 847313). An algorithm developed to predict the effect of missense changes on protein structure and function (PolyPhen-2) suggests that this variant is likely to be disruptive. In summary, the available evidence is currently insufficient to determine the role of this variant in disease. Therefore, it has been classified as a Variant of Uncertain Significance.

PreventionGenetics, part of Exact Sciences
Classification: Uncertain significance for REST-related condition. Last evaluated: 2023-09-02. Review status: criteria provided, single submitter. Criteria: ACMG Guidelines, 2015. Collection method: clinical testing. Allele origin: germline.
Comment: The REST c.422C>G variant is predicted to result in the amino acid substitution p.Pro141Arg. To our knowledge, this variant has not been reported in the literature. This variant is reported in 0.040% of alleles in individuals of European (Non-Finnish) descent in gnomAD, which may be too common to be an undocumented primary cause of disease. Although we suspect that this variant may be benign, at this time, the clinical significance of this variant is uncertain due to the absence of conclusive functional and genetic evidence.

Ambry Genetics
Classification: Uncertain significance for Inborn genetic diseases. Last evaluated: 2021-07-14. Review status: criteria provided, single submitter. Criteria: Ambry Variant Classification Scheme 2023. Collection method: clinical testing. Allele origin: germline.